The following is an entry in ClinVar:

ClinVar aggregate classification (germline): Benign. Review status: reviewed by expert panel (3 of 4 stars). 24 submissions from 24 submitters: Benign (1). 23 of the submissions do not count toward it. Last evaluated 2015-08-10.

Conditions:
Breast and/or ovarian cancer. Identifiers: MedGen CN221562.
Hereditary cancer-predisposing syndrome. Also called: Neoplastic Syndromes, Hereditary; Tumor predisposition; Hereditary Cancer Syndrome; Hereditary neoplastic syndrome. Identifiers: Orphanet 140162, MedGen C0027672, MeSH D009386, MONDO:0015356.
Hereditary breast ovarian cancer syndrome. Also called: Hereditary breast and ovarian cancer; Breast and ovarian cancer; Hereditary breast and/or ovarian cancer syndrome; Hereditary breast and ovarian cancer syndrome (HBOC); Hereditary breast and ovarian cancer syndrome; BRCA1- and BRCA2-Associated Hereditary Breast and Ovarian Cancer. Identifiers: Orphanet 145, MedGen C0677776, MeSH D061325, MONDO:0003582. Disease mechanism: loss of function.
Breast-ovarian cancer, familial, susceptibility to, 1 (BROVCA1). Also called: OVARIAN CANCER, SUSCEPTIBILITY TO; BRCA1 Hereditary Breast and Ovarian Cancer. Identifiers: Orphanet 145, MedGen C2676676, MONDO:0011450, OMIM 604370. Disease mechanism: loss of function.
Malignant tumor of breast. Also called: Malignant breast neoplasm; Cancer breast. Identifiers: MedGen C0006142, MONDO:0007254. Disease mechanism: loss of function.

Allele frequency attached by ClinVar (database versions not stated): ExAC 0.00001; gnomAD exomes 0.00003 and 0.00005; TOPMed 0.00005; gnomAD 0.00011.
gnomAD v4.1: 86 of 1,614,010 alleles (0.0053%); highest among the groups gnomAD compares: Admixed American, 0.015%; no homozygotes.

Submissions 1 to 22 of 24:

Evidence-based Network for the Interpretation of Germline Mutant Alleles (ENIGMA)
Classification: Benign for Breast-ovarian cancer, familial 1. Last evaluated: 2015-08-10. Review status: reviewed by expert panel. Criteria: ENIGMA BRCA1/2 Classification Criteria (2015). Collection method: curation. Allele origin: germline.
Comment: IARC class based on posterior probability from multifactorial likelihood analysis, thresholds for class as per Plon et al. 2008 (PMID: 18951446). Class 1 based on posterior probability = 0.000194

Labcorp Genetics (formerly Invitae), Labcorp
Classification: Benign for Hereditary breast ovarian cancer syndrome. Last evaluated: 2026-01-28. Review status: criteria provided, single submitter. Criteria: Invitae Variant Classification Sherloc (09022015). Collection method: clinical testing. Allele origin: germline. Not counted in ClinVar's aggregate classification.

Dasa
Classification: Likely benign for Breast-ovarian cancer, familial, susceptibility to, 1. Last evaluated: 2025-11-10. Review status: criteria provided, single submitter. Criteria: DASA Assertion Criteria. Collection method: clinical testing. Allele origin: germline. Not counted in ClinVar's aggregate classification.
Comment: NM_007294.4(BRCA1):c.2002C>T (p.Leu668Phe) is a missense variant that results in the substitution of leucine with phenylalanine. Functional evidence is consistent with no deleterious impact on the gene or gene product, and the variant context is inconsistent with a known disease-causing mechanism. Therefore, based on the currently available evidence, this variant is classified as likely benign.

CeGaT Center for Human Genetics Tuebingen
Classification: Likely benign. Last evaluated: 2025-10-01. Review status: criteria provided, single submitter. Criteria: CeGaT Center For Human Genetics Tuebingen Variant Classification Criteria Version 2. Collection method: clinical testing. Allele origin: germline. Affected: yes. Observed: 2 variant alleles. Not counted in ClinVar's aggregate classification.
Comment: BRCA1: BS1:Supporting, BS3:Moderate

Mayo Clinic Laboratories, Mayo Clinic
Classification: Benign. Last evaluated: 2025-09-15. Review status: criteria provided, single submitter. Criteria: ACMG Guidelines, 2015. Collection method: clinical testing. Allele origin: germline. Observed: 3 variant alleles. Not counted in ClinVar's aggregate classification.
Comment: BS1, BP1_strong

Center for Genomic Medicine, Rigshospitalet, Copenhagen University Hospital
Classification: Benign. Last evaluated: 2025-03-04. Review status: criteria provided, single submitter. Criteria: ACMG Guidelines, 2015. Collection method: clinical testing. Allele origin: germline. Not counted in ClinVar's aggregate classification.

Revvity Omics, Revvity
Classification: Likely benign. Last evaluated: 2024-12-09. Review status: criteria provided, single submitter. Criteria: ACMG Guidelines, 2015. Collection method: clinical testing. Allele origin: germline. Not counted in ClinVar's aggregate classification.

Quest Diagnostics Nichols Institute San Juan Capistrano
Classification: Benign. Last evaluated: 2023-09-01. Review status: criteria provided, single submitter. Criteria: Quest Diagnostics criteria. Collection method: clinical testing. Allele origin: unknown. Not counted in ClinVar's aggregate classification.

CHEO Genetics Diagnostic Laboratory, Children's Hospital of Eastern Ontario
Classification: Likely benign for Breast and/or ovarian cancer. Last evaluated: 2022-03-16. Review status: criteria provided, single submitter. Criteria: ACMG Guidelines, 2015. Collection method: clinical testing. Allele origin: germline. Not counted in ClinVar's aggregate classification.

Sema4
Classification: Likely benign for Hereditary cancer-predisposing syndrome. Last evaluated: 2020-11-09. Review status: criteria provided, single submitter. Criteria: Sema4 Curation Guidelines. Collection method: curation. Allele origin: germline. Not counted in ClinVar's aggregate classification.

GeneDx
Classification: Likely benign. Last evaluated: 2020-08-31. Review status: criteria provided, single submitter. Criteria: GeneDx Variant Classification Process June 2021. Collection method: clinical testing. Allele origin: germline. Affected: yes. Not counted in ClinVar's aggregate classification.
Comment: This variant is associated with the following publications: (PMID: 24607278, 22753008, 28398198, 21990134, 24448499, 23867111, 24504028)

Mendelics
Classification: Likely benign for Breast-ovarian cancer, familial, susceptibility to, 1. Last evaluated: 2019-05-28. Review status: criteria provided, single submitter. Criteria: Mendelics Assertion Criteria 2017. Collection method: clinical testing. Allele origin: unknown. Not counted in ClinVar's aggregate classification.

Genetic Services Laboratory, University of Chicago
Classification: Uncertain significance. Last evaluated: 2018-10-22. Review status: criteria provided, single submitter. Criteria: ACMG Guidelines, 2015. Collection method: clinical testing. Allele origin: germline. Affected: no. Not counted in ClinVar's aggregate classification.

PreventionGenetics, part of Exact Sciences
Classification: Likely benign. Last evaluated: 2017-12-06. Review status: criteria provided, single submitter. Criteria: ACMG Guidelines, 2015. Collection method: clinical testing. Allele origin: germline. Not counted in ClinVar's aggregate classification.

Color Diagnostics, LLC DBA Color Health
Classification: Benign for Hereditary cancer-predisposing syndrome. Last evaluated: 2017-02-02. Review status: criteria provided, single submitter. Criteria: ACMG Guidelines, 2015. Collection method: clinical testing. Allele origin: germline. Not counted in ClinVar's aggregate classification.

Ambry Genetics
Classification: Benign for Hereditary cancer-predisposing syndrome. Last evaluated: 2014-11-18. Review status: criteria provided, single submitter. Criteria: Ambry Variant Classification Scheme 2023. Collection method: clinical testing. Allele origin: germline. Not counted in ClinVar's aggregate classification.

Eurofins Ntd Llc (ga)
Classification: Uncertain significance. Last evaluated: 2014-09-04. Review status: criteria provided, single submitter. Criteria: EGL Classification Definitions 2015. Collection method: clinical testing. Allele origin: germline. Not counted in ClinVar's aggregate classification.

CSER _CC_NCGL, University of Washington
Classification: Uncertain significance for Hereditary breast and ovarian cancer. Last evaluated: 2016-08-01. Review status: no assertion criteria provided. Collection method: research. Allele origin: germline. Inheritance: Autosomal dominant inheritance. Study: CSER - NEXT Medicine variant annotation. Not counted in ClinVar's aggregate classification.

Foulkes Cancer Genetics LDI, Lady Davis Institute for Medical Research
Classification: Likely benign for Breast and/or ovarian cancer. Last evaluated: 2013-06-14. Review status: no assertion criteria provided. Collection method: clinical testing. Allele origin: germline. Study: The Canadian Open Genetics Repository (COGR). Not counted in ClinVar's aggregate classification.

Sharing Clinical Reports Project (SCRP)
Classification: Benign for Breast-ovarian cancer, familial 1. Last evaluated: 2008-12-15. Review status: no assertion criteria provided. Collection method: clinical testing. Allele origin: germline. Not counted in ClinVar's aggregate classification.

Breast Cancer Information Core (BIC) (BRCA1)
Classification: Uncertain significance for Breast-ovarian cancer, familial 1. Last evaluated: 2002-05-29. Review status: no assertion criteria provided. Collection method: clinical testing. Allele origin: germline. Affected: yes. Observed: 25 variant alleles. Not counted in ClinVar's aggregate classification.

Clinical Genetics DNA and cytogenetics Diagnostics Lab, Erasmus MC, Erasmus Medical Center
Classification: Benign. Review status: no assertion criteria provided. Collection method: clinical testing. Allele origin: germline. Affected: yes. Study: VKGL Data-share Consensus. Not counted in ClinVar's aggregate classification.

NM_007294.4(BRCA1):c.2002C>T (p.Leu668Phe)

Gene: BRCA1 (BRCA1 DNA repair associated; minus strand). Cytogenetic location: 17q21.31.
Variant type: single nucleotide variant.
Coding change: c.2002C>T on transcript NM_007294.4 (MANE Select); coding-DNA position 2002, C replaced by T.
Protein change: p.Leu668Phe; replaces leucine 668 with phenylalanine.
Molecular consequence: missense variant. On other transcripts: intron variant (137).
Genome position (GRCh38, 1-based): chr17:43,093,529, G>A on the plus strand (C>T on the coding strand, the complement: BRCA1 is on the minus strand). VCF-style: chr17-43093529-G-A. GRCh37 (hg19) VCF-style: chr17-41245546-G-A.
Other names: p.L668F:CTC>TTC; 2121C>T; c.1789C>T, p.Leu597Phe (NM_001407571.1, NM_001407915.1, NM_001407853.1 and 9 more transcripts); c.2002C>T, p.Leu668Phe (NM_001407581.1, NM_001407582.1, NM_001407583.1 and 30 more transcripts); c.1999C>T, p.Leu667Phe (NM_001407587.1, NM_001407590.1, NM_001407591.1 and 22 more transcripts); c.1876C>T, p.Leu626Phe (NM_001407649.1, NM_001407670.1, NM_001407671.1 and 11 more transcripts); c.1924C>T, p.Leu642Phe (NM_001407653.1, NM_001407654.1, NM_001407655.1 and 4 more transcripts); c.1921C>T, p.Leu641Phe (NM_001407659.1, NM_001407660.1, NM_001407661.1 and 1 more transcripts); and 42 more; short protein forms L668F, L621F, L541F, L665F, L500F, L556F, L579F, L580F.
Identifiers: ClinVar variation 37441 (VCV000037441.51), dbSNP rs80357250, ClinGen allele CA001335.